The following is an entry in ClinVar:

NM_058216.3(RAD51C):c.341G>T (p.Gly114Val)

Gene: RAD51C (RAD51 paralog C; plus strand). Cytogenetic location: 17q22.
Variant type: single nucleotide variant.
Coding change: c.341G>T on transcript NM_058216.3 (MANE Select); coding-DNA position 341, G replaced by T.
Protein change: p.Gly114Val; replaces glycine 114 with valine.
Molecular consequence: missense variant. On other transcripts: non-coding transcript variant (2).
Genome position (GRCh38, 1-based): chr17:58,695,126, G>T. VCF-style: chr17-58695126-G-T. GRCh37 (hg19) VCF-style: chr17-56772487-G-T.
Other names: c.341G>T, p.Gly114Val (NM_002876.4); short protein forms G114V.
Identifiers: ClinVar variation 490124 (VCV000490124.15), dbSNP rs1555593767, ClinGen allele CA400341425.

ClinVar aggregate classification (germline): Conflicting classifications of pathogenicity. Review status: criteria provided, conflicting classifications (1 of 4 stars). 5 submissions from 5 submitters: Likely pathogenic (3); Uncertain significance (1). 1 of the submissions does not count toward it. Last evaluated 2026-09-11.

Conditions:
Breast-ovarian cancer, familial, susceptibility to, 3. Also called: RAD51C-Related Breast/Ovarian Cancer. Identifiers: Orphanet 145, MedGen C3150659, MONDO:0013253, OMIM 613399.
Hereditary cancer-predisposing syndrome. Also called: Hereditary neoplastic syndrome; Neoplastic Syndromes, Hereditary; Tumor predisposition; Hereditary Cancer Syndrome. Identifiers: Orphanet 140162, MedGen C0027672, MeSH D009386, MONDO:0015356.
Ovarian neoplasm. Also called: Ovarian tumor; Neoplasm of ovary; Ovarian Neoplasms. Identifiers: MedGen C0919267, MeSH D010051, MONDO:0021068, HP:0100615.
Fanconi anemia complementation group O. Also called: RAD51C-Related Fanconi Anemia. Identifiers: Orphanet 84, MedGen C3150653, MONDO:0013248, OMIM 613390.
Hereditary breast ovarian cancer syndrome. Also called: Hereditary breast and ovarian cancer syndrome (HBOC); BRCA1- and BRCA2-Associated Hereditary Breast and Ovarian Cancer; Hereditary breast and ovarian cancer syndrome; Hereditary breast and ovarian cancer; Breast and ovarian cancer; Hereditary breast and/or ovarian cancer syndrome. Identifiers: Orphanet 145, MedGen C0677776, MeSH D061325, MONDO:0003582. Disease mechanism: loss of function.

gnomAD v4.1: 1 of 1,614,062 alleles (0.000062%); no homozygotes.

Submissions (5):

German Consortium for Hereditary Breast and Ovarian Cancer, University Hospital Cologne
Classification: Likely pathogenic for Hereditary breast ovarian cancer syndrome. Last evaluated: 2026-09-11. Review status: criteria provided, single submitter. Criteria: ACMG SVI. Collection method: curation. Allele origin: germline.
Comment: This classification follows the ACMG SVI adaptation classification scheme; We chose these criteria: PS3 (strong pathogenic): fast depleated in Olvera-León et al. Cell 2024 187(20):5719-5734 deleterious in Hu et al. Cancer Res. 2023 83(15):2557-2571, PM2 (supporting pathogenic): absent from gnomAD v2/3; gnomAD v4.1.1 Total MAF = 6.196e-7, PP3 (supporting pathogenic): REVEL: 0.852

Color Diagnostics, LLC DBA Color Health
Classification: Likely pathogenic for Hereditary cancer-predisposing syndrome. Last evaluated: 2025-05-15. Review status: criteria provided, single submitter. Criteria: ACMG Guidelines, 2015. Collection method: clinical testing. Allele origin: germline.
Comment: This missense variant replaces glycine with valine at codon 114 of the RAD51C protein. Computational prediction suggests that this variant may have deleterious impact on protein structure and function. Functional studies have shown that this variant causes a significant decrease in homology-directed repair activity, impacts drug response, and disrupts RAD51D/XRCC2/XRCC3 binding activity of RAD51C protein (PMID: 37253112, 39299233). This variant has been reported in an individual affected with ovarian cancer (PMID: 21990120). This variant has not been identified in the general population by the Genome Aggregation Database (gnomAD). Based on the available evidence, this variant is classified as Likely Pathogenic.

Myriad Genetics, Inc.
Classification: Likely pathogenic for Breast-ovarian cancer, familial, susceptibility to, 3. Last evaluated: 2024-11-27. Review status: criteria provided, single submitter. Criteria: Myriad Autosomal Dominant, Autosomal Recessive and X-Linked Classification Criteria (2023). Collection method: clinical testing. Allele origin: unknown.
Comment: This variant is considered likely pathogenic. Functional studies indicate this variant impacts protein function [PMID: 39299233, 37253112]. This variant is expected to disrupt protein structure [Myriad internal data].

Labcorp Genetics (formerly Invitae), Labcorp
Classification: Uncertain significance for Fanconi anemia complementation group O. Last evaluated: 2020-12-01. Review status: criteria provided, single submitter. Criteria: Invitae Variant Classification Sherloc (09022015). Collection method: clinical testing. Allele origin: germline.
Comment: In summary, the available evidence is currently insufficient to determine the role of this variant in disease. Therefore, it has been classified as a Variant of Uncertain Significance. Advanced modeling of protein sequence and biophysical properties (such as structural, functional, and spatial information, amino acid conservation, physicochemical variation, residue mobility, and thermodynamic stability) performed at Invitae indicates that this missense variant is expected to disrupt RAD51C protein function. This variant has been observed in individual(s) with breast and/or ovarian cancer (PMID: 21990120). ClinVar contains an entry for this variant (Variation ID: 490124). This variant is not present in population databases (ExAC no frequency). This sequence change replaces glycine with valine at codon 114 of the RAD51C protein (p.Gly114Val). The glycine residue is highly conserved and there is a moderate physicochemical difference between glycine and valine.

Leiden Open Variation Database
Classification: Uncertain significance for Ovarian cancer. Last evaluated: 2011-08-25. Review status: no assertion criteria provided. Collection method: curation. Allele origin: germline. Affected: yes. Not counted in ClinVar's aggregate classification.
Comment: Curator: Arleen D. Auerbach. Submitter to LOVD: Ian Campbell.

Literature cited by the submitters: PubMed 21990120 (cited by 3 submitters); PubMed 37253112 (cited by Color Diagnostics, LLC DBA Color Health and Myriad Genetics, Inc.); PubMed 39299233 (cited by Color Diagnostics, LLC DBA Color Health and Myriad Genetics, Inc.).